The following is an entry in ClinVar:

ClinVar aggregate classification (germline): Uncertain significance (1 of 4 stars; one submission).

Conditions:
Hereditary cancer-predisposing syndrome. Also called: Neoplastic Syndromes, Hereditary; Tumor predisposition; Hereditary neoplastic syndrome; Hereditary Cancer Syndrome. Identifiers: Orphanet 140162, MedGen C0027672, MeSH D009386, MONDO:0015356.

gnomAD v4.1: 1 of 1,612,070 alleles (0.000062%); highest among the groups gnomAD compares: Non-Finnish European, 0.000085%; no homozygotes.

Submission:

Ambry Genetics
Classification: Uncertain significance for Hereditary cancer-predisposing syndrome. Last evaluated: 2026-07-21. Review status: criteria provided, single submitter. Criteria: Ambry Variant Classification Scheme 2023. Collection method: clinical testing. Allele origin: germline.
Comment: The c.1559+1G>A intronic variant results from a G to A substitution one nucleotide after coding exon 16 of the CDC73 gene. This variant occurs at the 3' terminus of the gene, is not expected to trigger nonsense-mediated mRNA decay, and only impacts the last 11% of the protein. The exact functional effect of this variant is unknown. This nucleotide position is highly conserved in available vertebrate species. In silico splice site analysis predicts that this alteration will weaken the native splice donor site. RNA studies have demonstrated that this variant results in a splice defect; the clinical impact of this abnormal splicing is unknown at this time (Ambry internal data). Based on the available evidence, the clinical significance of this variant remains unclear.

NM_024529.5(CDC73):c.1559+1G>A

Gene: CDC73 (cell division cycle 73; plus strand). Cytogenetic location: 1q31.2.
Variant type: single nucleotide variant.
Coding change: c.1559+1G>A on transcript NM_024529.5 (MANE Select); the canonical splice donor site of the intron after coding-DNA position 1559, G replaced by A.
Molecular consequence: splice donor variant.
Genome position (GRCh38, 1-based): chr1:193,249,872, G>A. VCF-style: chr1-193249872-G-A. GRCh37 (hg19) VCF-style: chr1-193219002-G-A.
Identifiers: ClinVar variation 5033839 (VCV005033839.1).